The following is an entry in ClinVar:

ClinVar aggregate classification (germline): Pathogenic (1 of 4 stars; one submission).

Conditions:
Treacher Collins syndrome 1 (TCS1). Also called: TCOF1-Related Treacher Collins Syndrome. Identifiers: Orphanet 861, MedGen CN315775, MONDO:0007944, OMIM 154500.

Submission:

Labcorp Genetics (formerly Invitae), Labcorp
Classification: Pathogenic for Treacher Collins syndrome 1. Last evaluated: 2025-05-12. Review status: criteria provided, single submitter. Criteria: Invitae Variant Classification Sherloc (09022015). Collection method: clinical testing. Allele origin: germline.
Comment: This sequence change creates a premature translational stop signal (p.Ala378Cysfs*43) in the TCOF1 gene. It is expected to result in an absent or disrupted protein product. Loss-of-function variants in TCOF1 are known to be pathogenic (PMID: 8894686, 22317976). This variant is not present in population databases (gnomAD no frequency). This variant has not been reported in the literature in individuals affected with TCOF1-related conditions. For these reasons, this variant has been classified as Pathogenic.

Literature cited by the submitters: PubMed 8894686; PubMed 22317976.

NM_001371623.1(TCOF1):c.1130dup (p.Ala378fs)

Gene: TCOF1 (treacle ribosome biogenesis factor 1; plus strand). Cytogenetic location: 5q32.
Variant type: Duplication.
Coding change: c.1130dup on transcript NM_001371623.1 (MANE Select); coding-DNA position 1130, one base duplicated (C; older notation c.1130dupC).
Protein change: p.Ala378fs; shifts the reading frame from alanine 378.
Molecular consequence: frameshift variant.
Genome position (GRCh38, 1-based): chr5:150,374,663, C duplicated; the last of 4 consecutive C bases (chr5:150,374,660-150,374,663); duplicating any one gives the same sequence. VCF-style (leftmost placement, unchanged base first): chr5-150374659-G-GC. GRCh37 (hg19) VCF-style: chr5-149754222-G-GC.
Other names: c.899dup, p.Ala301fs (NM_000356.4, NM_001135245.2, NM_001437406.1); c.1130dup, p.Ala378fs (NM_001008657.3, NM_001135243.2, NM_001135244.2 and 1 more transcripts); short protein forms A301fs, A378fs.
Identifiers: ClinVar variation 4719447 (VCV004719447.1).
Genomic context (GRCh38, chr5:150,374,659, plus strand): 5'-CTTGTCTTGTTTCTCCAGGCGAAGGCCTCAGGAAAAACCTCTCAGGTCGGAGCTGCCTCA[G>GC]CCCCTGCCAAGGAGTCCCCCAGGAAAGGAGCTGCCCCAGCGCCCCCTGGGAAGACAGGGC-3'